The following is an entry in ClinVar:

ClinVar aggregate classification (germline): Conflicting classifications of pathogenicity. Review status: criteria provided, conflicting classifications (1 of 4 stars). 10 submissions from 10 submitters: Uncertain significance (5); Likely benign (3). 2 of the submissions do not count toward it. Last evaluated 2025-04-07.

Conditions:
Hereditary cancer-predisposing syndrome. Also called: Hereditary neoplastic syndrome; Neoplastic Syndromes, Hereditary; Tumor predisposition; Hereditary Cancer Syndrome. Identifiers: Orphanet 140162, MedGen C0027672, MeSH D009386, MONDO:0015356.
Hereditary breast ovarian cancer syndrome. Also called: Hereditary breast and/or ovarian cancer syndrome; BRCA1- and BRCA2-Associated Hereditary Breast and Ovarian Cancer; Hereditary breast and ovarian cancer; Breast and ovarian cancer; Hereditary breast and ovarian cancer syndrome; Hereditary breast and ovarian cancer syndrome (HBOC). Identifiers: Orphanet 145, MedGen C0677776, MeSH D061325, MONDO:0003582. Disease mechanism: loss of function.
Breast-ovarian cancer, familial, susceptibility to, 2 (BROVCA2). Also called: BRCA2 Hereditary Breast and Ovarian Cancer. Identifiers: Orphanet 145, MedGen C2675520, MONDO:0012933, OMIM 612555. Disease mechanism: loss of function.
Familial cancer of breast. Also called: BREAST CANCER, FAMILIAL; hereditary breast carcinoma; Hereditary breast cancer. Identifiers: Orphanet 227535, MedGen C0346153, MONDO:0016419, OMIM 114480. Disease mechanism: loss of function.

Allele frequency attached by ClinVar (database versions not stated): ExAC 0.00001; gnomAD exomes 0.00001; TOPMed 0.00001.
gnomAD v4.1: 1 of 1,598,674 alleles (0.000063%); highest among the groups gnomAD compares: East Asian, 0.0022%; no homozygotes.

Submissions (10):

Labcorp Genetics (formerly Invitae), Labcorp
Classification: Uncertain significance for Hereditary breast ovarian cancer syndrome. Last evaluated: 2025-04-07. Review status: criteria provided, single submitter. Criteria: Invitae Variant Classification Sherloc (09022015). Collection method: clinical testing. Allele origin: germline.
Comment: This sequence change replaces threonine, which is neutral and polar, with isoleucine, which is neutral and non-polar, at codon 1426 of the BRCA2 protein (p.Thr1426Ile). This variant is present in population databases (rs748591104, gnomAD 0.01%). This missense change has been observed in individual(s) with breast and/or ovarian cancer (PMID: 32101877, 35918668). ClinVar contains an entry for this variant (Variation ID: 462335). Invitae Evidence Modeling of protein sequence and biophysical properties (such as structural, functional, and spatial information, amino acid conservation, physicochemical variation, residue mobility, and thermodynamic stability) indicates that this missense variant is not expected to disrupt BRCA2 protein function with a negative predictive value of 95%. In summary, the available evidence is currently insufficient to determine the role of this variant in disease. Therefore, it has been classified as a Variant of Uncertain Significance.

Color Diagnostics, LLC DBA Color Health
Classification: Uncertain significance for Hereditary cancer-predisposing syndrome. Last evaluated: 2024-04-16. Review status: criteria provided, single submitter. Criteria: ACMG Guidelines, 2015. Collection method: clinical testing. Allele origin: germline.
Comment: This missense variant replaces threonine with isoleucine at codon 1426 of the BRCA2 protein. Computational prediction suggests that this variant may not impact protein structure and function. To our knowledge, functional studies have not been reported for this variant. This variant has been reported in individuals affected with breast or ovarian cancer and two unaffected individuals (PMID: 33471991; Leiden Open Variation Database DB-ID BRCA2_008184, 35918668) and in a suspected hereditary breast and ovarian cancer family (PMID: 32380732). This variant has been identified in 2/244798 chromosomes in the general population by the Genome Aggregation Database (gnomAD). The available evidence is insufficient to determine the role of this variant in disease conclusively. Therefore, this variant is classified as a Variant of Uncertain Significance.

Molecular Pathology, Peter Maccallum Cancer Centre
Classification: Likely benign for Breast-ovarian cancer, familial, susceptibility to, 2. Last evaluated: 2024-04-12. Review status: criteria provided, single submitter. Criteria: ACMG Guidelines, 2015. Collection method: clinical testing. Allele origin: germline. Inheritance: Autosomal dominant inheritance.

Quest Diagnostics Nichols Institute San Juan Capistrano
Classification: Uncertain significance. Last evaluated: 2023-05-17. Review status: criteria provided, single submitter. Criteria: Quest Diagnostics criteria. Collection method: clinical testing. Allele origin: unknown.
Comment: In the published literature, this variant has been reported in individuals with breast and/or ovarian cancer (PMID: 32101877 (2019), 35918668 (2022)). In a large-scale breast cancer association study, the variant was observed in individuals with breast cancer as well as in unaffected individuals (PMID: 33471991 (2021), see also LOVD). The frequency of this variant in the general population, 0.0000082 (2/244798 chromosomes (Genome Aggregation Database)), is uninformative in the assessment of its pathogenicity. Analysis of this variant using bioinformatics tools for the prediction of the effect of amino acid changes on protein structure and function yielded predictions that this variant is benign. Based on the available information, we are unable to determine the clinical significance of this variant.

University of Washington Department of Laboratory Medicine, University of Washington
Classification: Likely benign for Hereditary cancer-predisposing syndrome. Last evaluated: 2023-03-23. Review status: criteria provided, single submitter. Criteria: Dines et al. (Genet Med. 2020). Collection method: curation. Allele origin: germline.
Comment: Missense variant in a coldspot region where missense variants are very unlikely to be pathogenic (PMID:31911673).

BRCA2 exon 11 coldspot. Reclassification based on statistical prior probability.

GeneDx
Classification: Uncertain significance. Last evaluated: 2022-01-18. Review status: criteria provided, single submitter. Criteria: GeneDx Variant Classification Process June 2021. Collection method: clinical testing. Allele origin: germline. Affected: yes.
Comment: Not observed at significant frequency in large population cohorts (gnomAD); In silico analysis supports that this missense variant does not alter protein structure/function; Identified in a patient with a personal and family history of breast cancer in published literature (Wu 2019); Also known as 4505C>T; This variant is associated with the following publications: (PMID: 32101877)

AiLife Diagnostics
Classification: Uncertain significance. Last evaluated: 2021-04-27. Review status: criteria provided, single submitter. Criteria: ACMG Guidelines, 2015. Collection method: clinical testing. Allele origin: germline. Affected: yes. Observed: 1 variant allele.

Ambry Genetics
Classification: Likely benign for Hereditary cancer-predisposing syndrome. Last evaluated: 2019-05-01. Review status: criteria provided, single submitter. Criteria: Ambry Variant Classification Scheme 2023. Collection method: clinical testing. Allele origin: germline.

Center for Precision Medicine, Meizhou People's Hospital
Classification: Uncertain significance for Familial cancer of breast. Review status: no assertion criteria provided. Collection method: curation. Allele origin: germline. Affected: yes. Not counted in ClinVar's aggregate classification.

Department of Pathology and Laboratory Medicine, Sinai Health System
Classification: Uncertain significance for Breast-ovarian cancer, familial, susceptibility to, 2. Review status: no assertion criteria provided. Collection method: clinical testing. Allele origin: unknown. Affected: yes. Study: The Canadian Open Genetics Repository (COGR). Not counted in ClinVar's aggregate classification.
Comment: The BRCA2 p.Thr1426Ile variant was not identified in the literature nor was it identified in the COGR, LOVD 3.0, UMD-LSDB, BIC Database, or ARUP Laboratories database. The variant was identified in dbSNP (ID: rs748591104) â€šÃ„ÃºWith Uncertain significance alleleâ€šÃ„Ã¹ and ClinVar (classified as uncertain significance by Invitae). The variant was identified in control databases in 2 of 240852 chromosomes at a frequency of 0.000008 (Genome Aggregation Database Feb 27, 2017), in the following population: East Asian in 2 of 17036 chromosomes (freq: 0.0001), but not in the African, Other, Latino, European Non-Finnish, Ashkenazi Jewish, European Finnish, or South Asian populations. The p.Thr1426Ile residue is not conserved in mammals and four out of five computational analyses (PolyPhen-2, SIFT, AlignGVGD, BLOSUM, MutationTaster) do not suggest a high likelihood of impact to the protein; however, this information is not predictive enough to rule out pathogenicity. The variant occurs outside of the splicing consensus sequence and in silico or computational prediction software programs (SpliceSiteFinder, MaxEntScan, NNSPLICE, GeneSplicer) do not predict a difference in splicing. In summary, based on the above information, the clinical significance of this variant cannot be determined with certainty at this time. This variant is classified as a variant of uncertain significance.

Literature cited by the submitters: PubMed 32101877 (cited by Labcorp Genetics (formerly Invitae), Labcorp and Quest Diagnostics Nichols Institute San Juan Capistrano); PubMed 35918668 (cited by 3 submitters); PubMed 32380732 (cited by Color Diagnostics, LLC DBA Color Health); PubMed 33471991 (cited by Color Diagnostics, LLC DBA Color Health and Quest Diagnostics Nichols Institute San Juan Capistrano).

NM_000059.4(BRCA2):c.4277C>T (p.Thr1426Ile)

Gene: BRCA2 (BRCA2 DNA repair associated; plus strand). Cytogenetic location: 13q13.1.
Variant type: single nucleotide variant.
Coding change: c.4277C>T on transcript NM_000059.4 (MANE Select); coding-DNA position 4277, C replaced by T.
Protein change: p.Thr1426Ile; replaces threonine 1426 with isoleucine.
Molecular consequence: missense variant.
Genome position (GRCh38, 1-based): chr13:32,338,632, C>T. VCF-style: chr13-32338632-C-T. GRCh37 (hg19) VCF-style: chr13-32912769-C-T.
Other names: short protein forms T1426I.
Identifiers: ClinVar variation 462335 (VCV000462335.30), dbSNP rs748591104, ClinGen allele CA6940766.
Genomic context (GRCh38, chr13:32,338,632, plus strand): 5'-AAGAACAGTTAACTGCTACTAAAACGGAGCAAAATATAAAAGATTTTGAGACTTCTGATA[C>T]ATTTTTTCAGACTGCAAGTGGGAAAAATATTAGTGTCGCCAAAGAGTCATTTAATAAAAT-3'
Protein context (NP_000050.3, residues 1416-1436): QNIKDFETSD[Thr1426Ile]FFQTASGKNI